The following is an entry in ClinVar:

NM_199242.3(UNC13D):c.797G>A (p.Arg266His)

Gene: UNC13D (unc-13 homolog D; minus strand). Cytogenetic location: 17q25.1.
Variant type: single nucleotide variant.
Coding change: c.797G>A on transcript NM_199242.3 (MANE Select); coding-DNA position 797, G replaced by A.
Protein change: p.Arg266His; replaces arginine 266 with histidine.
Molecular consequence: missense variant.
Genome position (GRCh38, 1-based): chr17:75,840,286, C>T on the plus strand (G>A on the coding strand, the complement: UNC13D is on the minus strand). VCF-style: chr17-75840286-C-T. GRCh37 (hg19) VCF-style: chr17-73836367-C-T.
Other names: short protein forms R266H.
Identifiers: ClinVar variation 839356 (VCV000839356.7), dbSNP rs538734085, ClinGen allele CA8773273.
Genomic context (GRCh38, chr17:75,840,286, plus strand): 5'-CGCTTATGGATGAGTTGGAACTGGAGGTGGCACTGGCCTCGGTCTGGGTAGGTCTCAGTG[C>T]GGGGTTCCAGGGGGTACCACTGGTCCTCTCGGCAGCGCAGGTCCTGACAGGCGGGGATGC-3'
Protein context (NP_954712.1, residues 256-276): REDQWYPLEP[Arg266His]TETYPDRGQC

ClinVar aggregate classification (germline): Uncertain significance (1 of 4 stars; one submission).

Conditions:
Familial hemophagocytic lymphohistiocytosis 3 (FHL3). Also called: UNC13D-Related Familial Hemophagocytic Lymphohistiocytosis (UNC13D-fHLH). Identifiers: Orphanet 540, MedGen C1837174, MONDO:0012146, OMIM 608898.

Allele frequency attached by ClinVar (database versions not stated): gnomAD 0.00001; ExAC 0.00003; 1000 Genomes Project 30x 0.00016; 1000 Genomes Project 0.00020.
gnomAD v4.1: 24 of 1,613,936 alleles (0.0015%); highest among the groups gnomAD compares: South Asian, 0.0033%; no homozygotes.

Submission:

Labcorp Genetics (formerly Invitae), Labcorp
Classification: Uncertain significance for Familial hemophagocytic lymphohistiocytosis 3. Last evaluated: 2022-08-23. Review status: criteria provided, single submitter. Criteria: Invitae Variant Classification Sherloc (09022015). Collection method: clinical testing. Allele origin: germline.
Comment: This sequence change replaces arginine, which is basic and polar, with histidine, which is basic and polar, at codon 266 of the UNC13D protein (p.Arg266His). This variant is present in population databases (rs538734085, gnomAD 0.01%). This variant has not been reported in the literature in individuals affected with UNC13D-related conditions. ClinVar contains an entry for this variant (Variation ID: 839356). Algorithms developed to predict the effect of missense changes on protein structure and function are either unavailable or do not agree on the potential impact of this missense change (SIFT: "Not Available"; PolyPhen-2: "Possibly Damaging"; Align-GVGD: "Not Available"). In summary, the available evidence is currently insufficient to determine the role of this variant in disease. Therefore, it has been classified as a Variant of Uncertain Significance.